The following is an entry in ClinVar:

NM_012330.4(KAT6B):c.2992T>A (p.Ser998Thr)

Gene: KAT6B (lysine acetyltransferase 6B; plus strand). Cytogenetic location: 10q22.2.
Variant type: single nucleotide variant.
Coding change: c.2992T>A on transcript NM_012330.4 (MANE Select); coding-DNA position 2992, T replaced by A.
Protein change: p.Ser998Thr; replaces serine 998 with threonine.
Molecular consequence: missense variant.
Genome position (GRCh38, 1-based): chr10:75,021,256, T>A. VCF-style: chr10-75021256-T-A. GRCh37 (hg19) VCF-style: chr10-76781014-T-A.
Other names: c.649T>A, p.Ser217Thr (NM_001370135.1); c.2992T>A, p.Ser998Thr (NM_001370136.1, NM_001370137.1); c.2443T>A, p.Ser815Thr (NM_001370138.1, NM_001256468.2); c.2116T>A, p.Ser706Thr (NM_001370139.1, NM_001370140.1, NM_001370141.1 and 2 more transcripts); c.1927T>A, p.Ser643Thr (NM_001370143.1, NM_001370144.1); c.1954T>A, p.Ser652Thr (NM_001370132.1); c.1303T>A, p.Ser435Thr (NM_001370133.1); c.907T>A, p.Ser303Thr (NM_001370134.1); short protein forms S217T, S303T, S435T, S643T, S652T, S706T, S815T, S998T.
Identifiers: ClinVar variation 1314749 (VCV001314749.9), dbSNP rs776774212, ClinGen allele CA377282540.

ClinVar aggregate classification (germline): Conflicting classifications of pathogenicity. Review status: criteria provided, conflicting classifications (1 of 4 stars). 3 submissions from 3 submitters: Uncertain significance (2); Benign (1). Last evaluated 2025-11-05.

Conditions:
Genitopatellar syndrome (GTPTS). Also called: Genitopatellar syndrome (GPS); ABSENT PATELLAE, SCROTAL HYPOPLASIA, RENAL ANOMALIES, FACIAL DYSMORPHISM, AND MENTAL RETARDATION. Identifiers: Orphanet 85201, MedGen C1853566, MONDO:0011640, OMIM 606170.

Allele frequency attached by ClinVar (database versions not stated): gnomAD exomes below 0.00001.
gnomAD v4.1: 4 of 1,614,084 alleles (0.00025%); highest among the groups gnomAD compares: Admixed American, 0.0067%; no homozygotes.

Submissions (3):

Women's Health and Genetics/Laboratory Corporation of America, LabCorp
Classification: Uncertain significance. Last evaluated: 2025-11-05. Review status: criteria provided, single submitter. Criteria: LabCorp Variant Classification Summary - May 2015. Collection method: clinical testing. Allele origin: germline.
Comment: Variant summary: KAT6B c.2992T>A (p.Ser998Thr) results in a conservative amino acid change in the encoded protein sequence. Algorithms developed to predict the effect of missense changes on protein structure and function are either unavailable or do not agree on the potential impact of this missense change. The variant was absent in 248892 control chromosomes. The available data on variant occurrences in the general population are insufficient to allow any conclusion about variant significance. To our knowledge, no occurrence of c.2992T>A in individuals affected with KAT6B-related conditions and no experimental evidence demonstrating its impact on protein function have been reported. ClinVar contains an entry for this variant (Variation ID: 1314749). Based on the evidence outlined above, the variant was classified as uncertain significance.

Labcorp Genetics (formerly Invitae), Labcorp
Classification: Benign for Genitopatellar syndrome. Last evaluated: 2024-10-15. Review status: criteria provided, single submitter. Criteria: Invitae Variant Classification Sherloc (09022015). Collection method: clinical testing. Allele origin: germline.

GeneDx
Classification: Uncertain significance. Last evaluated: 2022-08-18. Review status: criteria provided, single submitter. Criteria: GeneDx Variant Classification Process June 2021. Collection method: clinical testing. Allele origin: germline. Affected: yes.
Comment: Not observed at significant frequency in large population cohorts (gnomAD); In silico analysis supports that this missense variant has a deleterious effect on protein structure/function; Has not been previously published as pathogenic or benign to our knowledge